The following is an entry in ClinVar:

ClinVar aggregate classification (germline): Likely benign (0 of 4 stars; one submission).

Conditions:
PHF6-related disorder. Also called: PHF6-related condition.

gnomAD v4.1: 10 of 1,180,807 alleles (0.00085%); highest among the groups gnomAD compares: Middle Eastern, 0.11%; no homozygotes.

Submission:

PreventionGenetics, part of Exact Sciences
Classification: Likely benign for PHF6-related condition. Last evaluated: 2020-07-13. Review status: no assertion criteria provided. Collection method: clinical testing. Allele origin: germline.
Comment: This variant is classified as likely benign based on ACMG/AMP sequence variant interpretation guidelines (Richards et al. 2015 PMID: 25741868, with internal and published modifications).

NM_001015877.2(PHF6):c.834+105C>T

Gene: PHF6 (PHD finger protein 6; plus strand). Cytogenetic location: Xq26.2.
Variant type: single nucleotide variant.
Coding change: c.834+105C>T on transcript NM_001015877.2 (MANE Select); 105 bases into the intron after coding-DNA position 834, C replaced by T.
Molecular consequence: intron variant. On other transcripts: 3 prime UTR variant (1).
Genome position (GRCh38, 1-based): chrX:134,415,225, C>T. VCF-style: chrX-134415225-C-T. GRCh37 (hg19) VCF-style: chrX-133549255-C-T.
Other names: c.*3C>T (NM_032335.3); c.834+105C>T (NM_032458.3).
Identifiers: ClinVar variation 3351640 (VCV003351640.1).